The following is an entry in ClinVar:

NM_001369268.1(ACAN):c.7160_7165del (p.Arg2387_Glu2388del)

Gene: ACAN (aggrecan; plus strand). Cytogenetic location: 15q26.1.
Variant type: Deletion.
Coding change: c.7160_7165del on transcript NM_001369268.1 (MANE Select); coding-DNA positions 7160 to 7165, 6 bases deleted (GGGAGC; older notation c.7160_7165delGGGAGC).
Protein change: p.Arg2387_Glu2388del.
Molecular consequence: inframe deletion. On other transcripts: inframe indel (2).
Genome position (GRCh38, 1-based): chr15:88,871,481-88,871,486, GGGAGC deleted; deleting any 6 consecutive bases within chr15:88,871,480-88,871,486 gives the same sequence; the c. name uses the placement nearest the transcript's 3' end. VCF-style (leftmost placement, unchanged base first): chr15-88871479-TCGGGAG-T. GRCh37 (hg19) VCF-style: chr15-89414710-TCGGGAG-T.
Other names: c.6932_6937del, p.Arg2311_Glu2312del (NM_001135.4); c.6932_6937delGGGAGC, p.Arg2311_Glu2312del (NM_001411096.1); c.7046_7051delGGGAGC, p.Arg2349_Glu2350del (NM_001411097.1); c.7046_7051del, p.Arg2349_Glu2350del (NM_013227.4).
Identifiers: ClinVar variation 2017007 (VCV002017007.4), dbSNP rs2505380141, ClinGen allele CA2580090133.

ClinVar aggregate classification (germline): Uncertain significance (1 of 4 stars; one submission).

Submission:

Labcorp Genetics (formerly Invitae), Labcorp
Classification: Uncertain significance. Last evaluated: 2022-07-14. Review status: criteria provided, single submitter. Criteria: Invitae Variant Classification Sherloc (09022015). Collection method: clinical testing. Allele origin: germline.
Comment: This variant, c.7046_7051del, results in the deletion of 2 amino acid(s) of the ACAN protein (p.Arg2349_Glu2350del), but otherwise preserves the integrity of the reading frame. This variant is not present in population databases (gnomAD no frequency). This variant has not been reported in the literature in individuals affected with ACAN-related conditions. Experimental studies and prediction algorithms are not available or were not evaluated, and the functional significance of this variant is currently unknown. In summary, the available evidence is currently insufficient to determine the role of this variant in disease. Therefore, it has been classified as a Variant of Uncertain Significance.